The following is an entry in ClinVar:

ClinVar aggregate classification (germline): Uncertain significance. Review status: criteria provided, multiple submitters, no conflicts (2 of 4 stars). 2 submissions from 2 submitters: Uncertain significance (2). Last evaluated 2025-07-21.

Conditions:
Cardiovascular phenotype. Identifiers: MedGen CN230736.

Allele frequency attached by ClinVar (database versions not stated): TOPMed below 0.00001.

Submissions (2):

Ambry Genetics
Classification: Uncertain significance for Cardiovascular phenotype. Last evaluated: 2025-07-21. Review status: criteria provided, single submitter. Criteria: Ambry Variant Classification Scheme 2023. Collection method: clinical testing. Allele origin: germline.
Comment: The p.S351L variant (also known as c.1052C>T), located in coding exon 6 of the SNTA1 gene, results from a C to T substitution at nucleotide position 1052. The serine at codon 351 is replaced by leucine, an amino acid with dissimilar properties. This amino acid position is conserved. In addition, this alteration is predicted to be deleterious by in silico analysis. Based on the available evidence, the clinical significance of this variant remains unclear.

GeneDx
Classification: Uncertain significance. Last evaluated: 2022-11-02. Review status: criteria provided, single submitter. Criteria: GeneDx Variant Classification Process June 2021. Collection method: clinical testing. Allele origin: germline. Affected: yes.
Comment: Has not been previously published as pathogenic or benign to our knowledge; Not observed at significant frequency in large population cohorts (gnomAD); In silico analysis supports that this missense variant has a deleterious effect on protein structure/function

NM_003098.3(SNTA1):c.1052C>T (p.Ser351Leu)

Gene: SNTA1 (syntrophin alpha 1; minus strand). Cytogenetic location: 20q11.21.
Variant type: single nucleotide variant.
Coding change: c.1052C>T on transcript NM_003098.3 (MANE Select); coding-DNA position 1052, C replaced by T.
Protein change: p.Ser351Leu; replaces serine 351 with leucine.
Molecular consequence: missense variant.
Genome position (GRCh38, 1-based): chr20:33,410,320, G>A on the plus strand (C>T on the coding strand, the complement: SNTA1 is on the minus strand). VCF-style: chr20-33410320-G-A. GRCh37 (hg19) VCF-style: chr20-31998126-G-A.
Other names: short protein forms S351L.
Identifiers: ClinVar variation 2501312 (VCV002501312.2), dbSNP rs1462693669, ClinGen allele CA408630846.